The following is an entry in ClinVar:

ClinVar aggregate classification (germline): Likely benign (0 of 4 stars; one submission).

Conditions:
TUB-related disorder. Also called: TUB-related condition.

Submission:

PreventionGenetics, part of Exact Sciences
Classification: Likely benign for TUB-related condition. Last evaluated: 2022-03-07. Review status: no assertion criteria provided. Collection method: clinical testing. Allele origin: germline.
Comment: This variant is classified as likely benign based on ACMG/AMP sequence variant interpretation guidelines (Richards et al. 2015 PMID: 25741868, with internal and published modifications).

NM_177972.3(TUB):c.852C>T (p.Tyr284=)

Genes: RIC3 (RIC3 acetylcholine receptor chaperone; minus strand), TUB (TUB bipartite transcription factor; plus strand). Cytogenetic location: 11p15.4.
Variant type: single nucleotide variant.
Coding change: c.852C>T on transcript NM_177972.3 (MANE Select); coding-DNA position 852, C replaced by T.
Protein change: p.Tyr284=; no amino-acid change (tyrosine 284 retained).
Molecular consequence: synonymous variant.
Genome position (GRCh38, 1-based): chr11:8,097,392, C>T. VCF-style: chr11-8097392-C-T. GRCh37 (hg19) VCF-style: chr11-8118939-C-T.
Other names: c.1017C>T, p.Tyr339= (NM_003320.5).
Identifiers: ClinVar variation 3355762 (VCV003355762.1).
Genomic context (GRCh38, chr11:8,097,392, plus strand): 5'-CATCAAATGCCGCATCACTCGGGACAAGAAAGGGATGGACCGGGGCATGTACCCCACCTA[C>T]TTTCTGCACCTGGACCGTGAGGATGGGAAGAAGGTAAGGTTGGTCTGGGCATGTTATCAT-3'
Protein context (NP_813977.1, residues 274-294): KGMDRGMYPT[Tyr284=]FLHLDREDGK